The following is an entry in ClinVar:

ClinVar aggregate classification (germline): Likely benign. Review status: criteria provided, multiple submitters, no conflicts (2 of 4 stars). 3 submissions from 3 submitters: Likely benign (3). Last evaluated 2026-04-27.

Conditions:
CD2AP-related disorder. Also called: CD2AP-related condition.
Focal segmental glomerulosclerosis 3, susceptibility to (FSGS3). Identifiers: Orphanet 656, MedGen C1842982, MONDO:0011917, OMIM 607832.

Allele frequency attached by ClinVar (database versions not stated): TOPMed 0.00004; ESP Exome Variant Server 0.00008; gnomAD exomes 0.00038; ExAC 0.00040; 1000 Genomes Project 30x 0.00047; 1000 Genomes Project 0.00060.
gnomAD v4.1: 252 of 1,613,294 alleles (0.016%); highest among the groups gnomAD compares: South Asian, 0.25%; 3 homozygotes.

Submissions (3):

PreventionGenetics, part of Exact Sciences
Classification: Likely benign for CD2AP-related condition. Last evaluated: 2026-04-27. Review status: criteria provided, single submitter. Criteria: ACMG Guidelines, 2015. Collection method: clinical testing. Allele origin: germline.
Comment: This variant is classified as likely benign based on ACMG/AMP sequence variant interpretation guidelines (Richards et al. 2015 PMID: 25741868, with internal and published modifications).

Labcorp Genetics (formerly Invitae), Labcorp
Classification: Likely benign. Last evaluated: 2024-11-27. Review status: criteria provided, single submitter. Criteria: Invitae Variant Classification Sherloc (09022015). Collection method: clinical testing. Allele origin: germline.

Fulgent Genetics
Classification: Likely benign for Focal segmental glomerulosclerosis 3, susceptibility to. Last evaluated: 2022-05-09. Review status: criteria provided, single submitter. Criteria: ACMG Guidelines, 2015. Collection method: clinical testing. Allele origin: unknown.

NM_012120.3(CD2AP):c.1696C>T (p.Pro566Ser)

Gene: CD2AP (CD2 associated protein; plus strand). Cytogenetic location: 6p12.3.
Variant type: single nucleotide variant.
Coding change: c.1696C>T on transcript NM_012120.3 (MANE Select); coding-DNA position 1696, C replaced by T.
Protein change: p.Pro566Ser; replaces proline 566 with serine.
Molecular consequence: missense variant.
Genome position (GRCh38, 1-based): chr6:47,609,186, C>T. VCF-style: chr6-47609186-C-T. GRCh37 (hg19) VCF-style: chr6-47576922-C-T.
Other names: short protein forms P566S.
Identifiers: ClinVar variation 738377 (VCV000738377.8), dbSNP rs372234258, ClinGen allele CA3844435.
Genomic context (GRCh38, chr6:47,609,186, plus strand): 5'-TCTGTGTACCTTTCAACACCTTCCAGTGCTTCTAAAGCAAATACAACTGCTTTCCTGACT[C>T]CATTAGAAATCAAAGCTAAAGTGGAAACAGATGATGTGAAAAAAAATTCCCTGGATGAAC-3'
Protein context (NP_036252.1, residues 556-576): SKANTTAFLT[Pro566Ser]LEIKAKVETD